The following is an entry in ClinVar:

NM_005612.5(REST):c.2413del (p.Leu805fs)

Gene: REST (RE1 silencing transcription factor; plus strand). Cytogenetic location: 4q12.
Variant type: Deletion.
Coding change: c.2413del on transcript NM_005612.5 (MANE Select); coding-DNA position 2413, one base deleted (C; older notation c.2413delC).
Protein change: p.Leu805fs; shifts the reading frame from leucine 805.
Molecular consequence: frameshift variant.
Genome position (GRCh38, 1-based): chr4:56,931,271, C deleted; the last of 4 consecutive C bases (chr4:56,931,268-56,931,271); deleting any one gives the same sequence. VCF-style (leftmost placement, unchanged base first): chr4-56931267-TC-T. GRCh37 (hg19) VCF-style: chr4-57797433-TC-T.
Other names: c.2413delC, p.Leu805Phefs (NM_001193508.2, NM_001363453.3); short protein forms L805fs.
Identifiers: ClinVar variation 427773 (VCV000427773.1), dbSNP rs1553904346, ClinGen allele CA645372752.
Genomic context (GRCh38, chr4:56,931,267, plus strand): 5'-TCCCATGGGGGTGGTTCAGAAGGAGCCTGCTCAGAGGGAGCCACCTCCTCCCAGAGAGCC[TC>T]CCCTTCACATGGAGCCAATTTCCAAAAAGCCTCCTCTCCGAAAAGATAAAAAGGAAAAGT-3'

ClinVar aggregate classification (germline): Likely pathogenic. Review status: criteria provided, single submitter (1 of 4 stars). 2 submissions from 2 submitters: Likely pathogenic (1). 1 of the submissions does not count toward it. Last evaluated 2017-05-01.

Conditions:
Fibromatosis, gingival, 5. Also called: FIBROMATOSIS, GINGIVAL, HEREDITARY, 5. Identifiers: MedGen C4539942, MONDO:0033493, OMIM 617626.
Fibromatosis, gingival, 1 (GINGF1). Identifiers: Orphanet 2024, MedGen C4551558, MONDO:0007609, OMIM 135300.

Submissions (2):

Lupski Lab, Baylor-Hopkins CMG, Baylor College of Medicine
Classification: Likely pathogenic for Fibromatosis, gingival, 1. Last evaluated: 2017-05-01. Review status: criteria provided, single submitter. Criteria: Bayram et al. (Am J Hum Genet. 2017). Collection method: research. Allele origin: de novo. Inheritance: Autosomal dominant inheritance. Affected: yes.

OMIM
Classification: Pathogenic for FIBROMATOSIS, GINGIVAL, 5. Last evaluated: 2017-08-15. Review status: no assertion criteria provided. Collection method: literature only. Allele origin: germline. Not counted in ClinVar's aggregate classification.

Literature cited by the submitters: PubMed 28686854 (cited by OMIM).